The following is an entry in ClinVar:

ClinVar aggregate classification (germline): Conflicting classifications of pathogenicity. Review status: criteria provided, conflicting classifications (1 of 4 stars). 4 submissions from 4 submitters: Uncertain significance (1); Likely benign (2). 1 of the submissions does not count toward it. Last evaluated 2026-03-10.

Conditions:
BLTP1-related disorder. Also called: BLTP1-related condition.

Allele frequency attached by ClinVar (database versions not stated): gnomAD exomes 0.00033 and 0.00055; ExAC 0.00057; 1000 Genomes Project 0.00140; ESP Exome Variant Server 0.00143; 1000 Genomes Project 30x 0.00187; TOPMed 0.00211.
gnomAD v4.1: 794 of 1,600,838 alleles (0.05%); highest among the groups gnomAD compares: African/African-American, 0.52%; no homozygotes.

Submissions (4):

Women's Health and Genetics/Laboratory Corporation of America, LabCorp
Classification: Likely benign. Last evaluated: 2026-03-10. Review status: criteria provided, single submitter. Criteria: LabCorp Variant Classification Summary - May 2015. Collection method: clinical testing. Allele origin: germline.
Comment: Variant summary: BLTP1 c.2935C>T (p.Pro979Ser) results in a non-conservative amino acid change in the encoded protein sequence. Algorithms developed to predict the effect of missense changes on protein structure and function are either unavailable or do not agree on the potential impact of this missense change. The variant allele was found at a frequency of 0.0007 in 273294 control chromosomes, predominantly at a frequency of 0.0045 within the African or African-American subpopulation in the gnomAD database. The observed variant frequency within African or African-American control individuals in the gnomAD database exceeds the estimated maximal expected allele frequency for disease-causing variants in BLTP1. c.2935C>T has been observed arising de novo in unspecified individual affected with neurodevelopmental disorders (Turner_2019). These report(s) do not provide unequivocal conclusions about association of the variant with Alkuraya-Kucinskas Syndrome. To our knowledge, no experimental evidence demonstrating an impact on protein function has been reported. The following publication has been ascertained in the context of this evaluation (PMID: 31785789). ClinVar contains an entry for this variant (Variation ID: 1309577). Based on the evidence outlined above, the variant was classified as likely benign.

Blueprint Genetics
Classification: Likely benign. Last evaluated: 2024-10-21. Review status: criteria provided, single submitter. Criteria: ACMG Guidelines, 2015. Collection method: clinical testing. Allele origin: germline.

GeneDx
Classification: Uncertain significance. Last evaluated: 2019-11-05. Review status: criteria provided, single submitter. Criteria: GeneDx Variant Classification Process June 2021. Collection method: clinical testing. Allele origin: germline. Affected: yes.
Comment: In silico analysis, which includes protein predictors and evolutionary conservation, supports that this variant does not alter protein structure/function; Has not been previously published as pathogenic or benign to our knowledge

PreventionGenetics, part of Exact Sciences
Classification: Likely benign for BLTP1-related condition. Last evaluated: 2023-05-04. Review status: no assertion criteria provided. Collection method: clinical testing. Allele origin: germline. Not counted in ClinVar's aggregate classification.
Comment: This variant is classified as likely benign based on ACMG/AMP sequence variant interpretation guidelines (Richards et al. 2015 PMID: 25741868, with internal and published modifications).

Literature cited by the submitters: PubMed 31785789 (cited by Women's Health and Genetics/Laboratory Corporation of America, LabCorp).

NM_001384125.1(BLTP1):c.2935C>T (p.Pro979Ser)

Gene: BLTP1 (bridge-like lipid transfer protein family member 1; plus strand). Cytogenetic location: 4q27.
Variant type: single nucleotide variant.
Coding change: c.2935C>T on transcript NM_001384125.1 (MANE Select); coding-DNA position 2935, C replaced by T.
Protein change: p.Pro979Ser; replaces proline 979 with serine.
Molecular consequence: missense variant.
Genome position (GRCh38, 1-based): chr4:122,229,133, C>T. VCF-style: chr4-122229133-C-T. GRCh37 (hg19) VCF-style: chr4-123150288-C-T.
Other names: c.2935C>T, p.Pro979Ser (NM_015312.4); short protein forms P979S.
Identifiers: ClinVar variation 1309577 (VCV001309577.6), dbSNP rs201348504, ClinGen allele CA3066036.